The following is an entry in ClinVar:

ClinVar aggregate classification (germline): Pathogenic (1 of 4 stars; one submission).

Conditions:
Arrhythmogenic right ventricular dysplasia 9 (ARVD9). Also called: ARRHYTHMOGENIC RIGHT VENTRICULAR DYSPLASIA, FAMILIAL, 9; Arrhythmogenic Right Ventricular Dysplasia/Cardiomyopathy 9. Identifiers: MedGen C1836906, MONDO:0012180, OMIM 609040.

Submission:

Labcorp Genetics (formerly Invitae), Labcorp
Classification: Pathogenic for Arrhythmogenic right ventricular dysplasia 9. Last evaluated: 2020-09-09. Review status: criteria provided, single submitter. Criteria: Invitae Variant Classification Sherloc (09022015). Collection method: clinical testing. Allele origin: germline.
Comment: This variant is a gross deletion of the genomic region encompassing exons 11-12 of the PKP2 gene. This is predicted to create a premature translational stop signal and is expected to result in an absent or disrupted protein product. While this particular variant has not been reported in the literature, loss-of-function variants in PKP2 are known to be pathogenic (PMID: 15489853). For these reasons, this variant has been classified as Pathogenic.

Literature cited by the submitters: PubMed 15489853.

NC_000012.11:g.(?_32949033)_(32955500_?)del

Gene: PKP2 (plakophilin 2; minus strand). Cytogenetic location: 12p11.21.
Variant type: Deletion.
Identifiers: ClinVar variation 1075513 (VCV001075513.1).